The following is an entry in ClinVar:

NM_002890.3(RASA1):c.2847+1G>A

Genes: CCNH (cyclin H; minus strand), RASA1 (RAS p21 protein activator 1; plus strand). Cytogenetic location: 5q14.3.
Variant type: single nucleotide variant.
Coding change: c.2847+1G>A on transcript NM_002890.3 (MANE Select); the canonical splice donor site of the intron after coding-DNA position 2847, G replaced by A.
Molecular consequence: splice donor variant. On other transcripts: intron variant (1).
Genome position (GRCh38, 1-based): chr5:87,385,390, G>A. VCF-style: chr5-87385390-G-A. GRCh37 (hg19) VCF-style: chr5-86681207-G-A.
Other names: c.2316+1G>A (NM_022650.3); c.933+9654C>T (NM_001364075.2).
Identifiers: ClinVar variation 411711 (VCV000411711.45), dbSNP rs1060503438, ClinGen allele CA16612095.
Genomic context (GRCh38, chr5:87,385,390, plus strand): 5'-CTGATATTAGTGGCTAAATCTGTGCAGAACTTAGCAAATCTTGTGGAATTTGGAGCTAAG[G>A]TAAAAACATTTTGATACTTTAAAATGTAATTTATGAATGCAAGTTTGACATGATAAAACC-3'

ClinVar aggregate classification (germline): Likely pathogenic (1 of 4 stars; one submission).

Conditions:
Capillary malformation-arteriovenous malformation syndrome. Also called: Capillary malformation-arteriovenous malformation. Identifiers: Orphanet 137667, MedGen C1842180, MONDO:0012016.

Submission:

Labcorp Genetics (formerly Invitae), Labcorp
Classification: Likely pathogenic for Capillary malformation-arteriovenous malformation syndrome. Last evaluated: 2016-08-08. Review status: criteria provided, single submitter. Criteria: Invitae Variant Classification Sherloc (09022015). Collection method: clinical testing. Allele origin: germline.
Comment: This sequence change affects a donor splice site in intron 22 of the RASA1 gene. It is expected to disrupt mRNA splicing and likely results in an absent or disrupted protein product. This variant is not present in population databases (ExAC no frequency) and has not been reported in the literature in individuals with a RASA1-related disease. Algorithms developed to predict the effect of sequence changes on mRNA splicing suggest that this variant may alter mRNA splicing, but this prediction has not been confirmed by published transcriptional studies. In summary, donor and acceptor splice site variants are typically truncating (PMID: 16199547), and truncating variants in RASA1 are known to be pathogenic (PMID: 24038909). However, without additional functional and/or genetic data, this variant has been classified as Likely Pathogenic.

Literature cited by the submitters: PubMed 16199547; PubMed 24038909.